The following is an entry in ClinVar:

NC_000003.11:g.(?_12626013)_(12660220_?)dup

Gene: RAF1 (Raf-1 proto-oncogene, serine/threonine kinase; minus strand). Cytogenetic location: 3p25.2.
Variant type: Duplication.
Identifiers: ClinVar variation 3246947 (VCV003246947.1).

ClinVar aggregate classification (germline): Uncertain significance (1 of 4 stars; one submission).

Conditions:
RASopathy. Also called: Noonan spectrum disorder; rasopathies. Identifiers: Orphanet 536391, MedGen C5555857, MONDO:0021060.

Submission:

Labcorp Genetics (formerly Invitae), Labcorp
Classification: Uncertain significance for RASopathy. Last evaluated: 2023-09-05. Review status: criteria provided, single submitter. Criteria: Invitae Variant Classification Sherloc (09022015). Collection method: clinical testing. Allele origin: unknown.
Comment: A copy number gain of the genomic region encompassing the full coding sequence of the RAF1 gene has been identified. The boundaries of this event are unknown as they extend beyond the assayed region for this gene and therefore may encompass additional genes. As the precise location of this event is unknown, it may be in tandem or it may be located elsewhere in the genome. This variant has not been reported in the literature in individuals affected with RAF1-related conditions. Experimental studies and prediction algorithms are not available or were not evaluated, and the functional significance of this variant is currently unknown. In summary, the available evidence is currently insufficient to determine the role of this variant in disease. Therefore, it has been classified as a Variant of Uncertain Significance.